The following is an entry in ClinVar:

NM_001369268.1(ACAN):c.1313A>T (p.Glu438Val)

Gene: ACAN (aggrecan; plus strand). Cytogenetic location: 15q26.1.
Variant type: single nucleotide variant.
Coding change: c.1313A>T on transcript NM_001369268.1 (MANE Select); coding-DNA position 1313, A replaced by T.
Protein change: p.Glu438Val; replaces glutamic acid 438 with valine.
Molecular consequence: missense variant.
Genome position (GRCh38, 1-based): chr15:88,845,766, A>T. VCF-style: chr15-88845766-A-T. GRCh37 (hg19) VCF-style: chr15-89388997-A-T.
Other names: c.1313A>T, p.Glu438Val (NM_001135.4, NM_001411096.1, NM_001411097.1 and 1 more transcripts); short protein forms E438V.
Identifiers: ClinVar variation 1930334 (VCV001930334.5), dbSNP rs1026505771, ClinGen allele CA393709878.

ClinVar aggregate classification (germline): Uncertain significance (1 of 4 stars; one submission).

Allele frequency attached by ClinVar (database versions not stated): gnomAD exomes 0.00001.

Submission:

Labcorp Genetics (formerly Invitae), Labcorp
Classification: Uncertain significance. Last evaluated: 2025-02-10. Review status: criteria provided, single submitter. Criteria: Invitae Variant Classification Sherloc (09022015). Collection method: clinical testing. Allele origin: germline.
Comment: This sequence change replaces glutamic acid, which is acidic and polar, with valine, which is neutral and non-polar, at codon 438 of the ACAN protein (p.Glu438Val). This variant is not present in population databases (gnomAD no frequency). This variant has not been reported in the literature in individuals affected with ACAN-related conditions. ClinVar contains an entry for this variant (Variation ID: 1930334). Invitae Evidence Modeling of protein sequence and biophysical properties (such as structural, functional, and spatial information, amino acid conservation, physicochemical variation, residue mobility, and thermodynamic stability) indicates that this missense variant is not expected to disrupt ACAN protein function with a negative predictive value of 80%. In summary, the available evidence is currently insufficient to determine the role of this variant in disease. Therefore, it has been classified as a Variant of Uncertain Significance.